The following is an entry in ClinVar:

NM_000444.6(PHEX):c.824T>C (p.Leu275Pro)

Gene: PHEX (phosphate regulating endopeptidase X-linked; plus strand). Cytogenetic location: Xp22.11.
Variant type: single nucleotide variant.
Coding change: c.824T>C on transcript NM_000444.6 (MANE Select); coding-DNA position 824, T replaced by C.
Protein change: p.Leu275Pro; replaces leucine 275 with proline.
Molecular consequence: missense variant.
Genome position (GRCh38, 1-based): chrX:22,094,074, T>C. VCF-style: chrX-22094074-T-C. GRCh37 (hg19) VCF-style: chrX-22112192-T-C.
Other names: c.824T>C (NM_000444.5); c.824T>C, p.Leu275Pro (NM_001282754.2); short protein forms L275P.
Identifiers: ClinVar variation 1067658 (VCV001067658.9), dbSNP rs2147040261, ClinGen allele CA412572459.

ClinVar aggregate classification (germline): Pathogenic/Likely pathogenic. Review status: criteria provided, multiple submitters, no conflicts (2 of 4 stars). 2 submissions from 2 submitters: Pathogenic (1); Likely pathogenic (1). Last evaluated 2024-02-23.

Conditions:
Familial X-linked hypophosphatemic vitamin D refractory rickets (XLHRD). Also called: X-Linked Hypophosphatemia; Hypophosphatemia, vitamin D-resistant rickets; Vitamin D-resistant rickets, X-linked; Hypophosphatemic Rickets, X-Linked Dominant; HYPOPHOSPHATEMIC VITAMIN D-RESISTANT RICKETS. Identifiers: Orphanet 89936, MedGen C0733682, MONDO:0010619, OMIM 307800.

Submissions (2):

Labcorp Genetics (formerly Invitae), Labcorp
Classification: Pathogenic. Last evaluated: 2024-02-23. Review status: criteria provided, single submitter. Criteria: Invitae Variant Classification Sherloc (09022015). Collection method: clinical testing. Allele origin: germline.
Comment: This sequence change replaces leucine, which is neutral and non-polar, with proline, which is neutral and non-polar, at codon 275 of the PHEX protein (p.Leu275Pro). This variant is not present in population databases (gnomAD no frequency). This missense change has been observed in individual(s) with hypophosphatemia (PMID: 27840894; Invitae). It has also been observed to segregate with disease in related individuals. ClinVar contains an entry for this variant (Variation ID: 1067658). Advanced modeling of protein sequence and biophysical properties (such as structural, functional, and spatial information, amino acid conservation, physicochemical variation, residue mobility, and thermodynamic stability) performed at Invitae indicates that this missense variant is expected to disrupt PHEX protein function with a positive predictive value of 95%. For these reasons, this variant has been classified as Pathogenic.

Women's Health and Genetics/Laboratory Corporation of America, LabCorp
Classification: Likely pathogenic for Familial X-linked hypophosphatemic vitamin D refractory rickets. Last evaluated: 2023-05-12. Review status: criteria provided, single submitter. Criteria: LabCorp Variant Classification Summary - May 2015. Collection method: clinical testing. Allele origin: germline.
Comment: Variant summary: PHEX c.824T>C (p.Leu275Pro) results in a non-conservative amino acid change located in the Peptidase M13, N-terminal domain (IPR008753) of the encoded protein sequence. Five of five in-silico tools predict a damaging effect of the variant on protein function. The variant was absent in 183136 control chromosomes (gnomAD). c.824T>C has been reported in the literature in individuals affected with X-Linked Hypophosphatemic Rickets and this variant co-segregated with the disease (Li_2016). These data indicate that the variant is likely to be associated with disease. To our knowledge, no experimental evidence demonstrating an impact on protein function has been reported. The following publications have been ascertained in the context of this evaluation (PMID: 27840894, 34141703, 34806794, 30682568). One ClinVar submitter (evaluation after 2014) cites this variant as likely pathogenic. Based on the evidence outlined above, the variant was classified as likely pathogenic.

Literature cited by the submitters: PubMed 27840894 (cited by Labcorp Genetics (formerly Invitae), Labcorp and Women's Health and Genetics/Laboratory Corporation of America, LabCorp); PubMed 34806794 (cited by Women's Health and Genetics/Laboratory Corporation of America, LabCorp); PubMed 34141703 (cited by Women's Health and Genetics/Laboratory Corporation of America, LabCorp); PubMed 30682568 (cited by Women's Health and Genetics/Laboratory Corporation of America, LabCorp).